The following is an entry in ClinVar:

Single allele

Genes: EHBP1 (EH domain binding protein 1; plus strand), MDH1 (malate dehydrogenase 1; plus strand), MIR5192 (microRNA 5192; plus strand), UGP2 (UDP-glucose pyrophosphorylase 2; plus strand), USP34 (ubiquitin specific peptidase 34; minus strand) and 160 more. Cytogenetic location: 2p16.1-14.
Variant type: copy number loss.
Identifiers: ClinVar variation 4886783 (VCV004886783.1).

ClinVar aggregate classification (germline): Pathogenic (0 of 4 stars; one submission).

Submission:

Diagnostics Centre, Carl Von Ossietzky University Oldenburg
Classification: Pathogenic. Last evaluated: 2025-01-23. Review status: no assertion criteria provided. Collection method: clinical testing. Allele origin: germline. Affected: yes. Observed: 1 variant allele.
Comment: The heterozygously detected deletion encompasses approximately 3.8 Mb within chromosomal region 2p15–p16.1. A total of 21 protein-coding genes are affected, several of which have been reported to be associated with disease through a haploinsufficiency mechanism. Disease associations within the deleted interval include recessively inherited disorders involving FAM161A (retinitis pigmentosa type 28) and WDPCP (Bardet–Biedl syndrome type 15), as well as a dominantly inherited disorder associated with BCL11A. In addition, the deletion includes PEX13 (Zellweger syndrome type 11, recessive inheritance) and REL (immunodeficiency type 92, recessive inheritance). BCL11A is associated with Dias–Logan syndrome, a rare neurodevelopmental disorder characterized by intellectual disability and delayed speech development. Persistent fetal hemoglobin is a characteristic feature. Additional clinical manifestations include joint hypermobility, microcephaly, facial dysmorphic features, and variable behavioral abnormalities. Various pathogenic deletions involving this genomic region have been reported in association with the so-called 2p15–p16.1 microdeletion syndrome. Reported dysmorphic features in affected individuals include a sloping forehead, telecanthus, epicanthal folds, short downward-slanting palpebral fissures, ptosis, a broad and high nasal bridge, retrognathia, a flat philtrum, a small mouth, a high narrow palate, and an everted upper lip. Bilateral optic nerve atrophy and/or hypoplasia has been reported in four patients. Common clinical features include microcephaly, short stature, urinary tract and genital anomalies, and behavioral abnormalities. In summary, this deletion is classified as Pathogenic.